The following is an entry in ClinVar:

NM_007175.8(ERLIN2):c.237-2A>G

Gene: ERLIN2 (ER lipid raft associated 2; plus strand). Cytogenetic location: 8p11.23.
Variant type: single nucleotide variant.
Coding change: c.237-2A>G on transcript NM_007175.8 (MANE Select); the canonical splice acceptor site of the intron before coding-DNA position 237, A replaced by G.
Molecular consequence: splice acceptor variant.
Genome position (GRCh38, 1-based): chr8:37,744,353, A>G. VCF-style: chr8-37744353-A-G. GRCh37 (hg19) VCF-style: chr8-37601871-A-G.
Other names: c.237-2A>G (NM_001362878.2, NM_001362880.2, NM_001003790.4 and 1 more transcripts).
Identifiers: ClinVar variation 1467186 (VCV001467186.8), dbSNP rs751227210, ClinGen allele CA4710658.

ClinVar aggregate classification (germline): Likely pathogenic (1 of 4 stars; one submission).

Conditions:
Spastic paraplegia. Identifiers: MedGen C0037772, HP:0001258.

Allele frequency attached by ClinVar (database versions not stated): gnomAD exomes below 0.00001; ExAC 0.00001.
gnomAD v4.1: 1 of 1,613,256 alleles (0.000062%); highest among the groups gnomAD compares: South Asian, 0.0011%; no homozygotes.

Submission:

Labcorp Genetics (formerly Invitae), Labcorp
Classification: Likely pathogenic for Spastic paraplegia. Last evaluated: 2020-11-12. Review status: criteria provided, single submitter. Criteria: Invitae Variant Classification Sherloc (09022015). Collection method: clinical testing. Allele origin: germline.
Comment: This variant has not been reported in the literature in individuals with ERLIN2-related conditions. This sequence change affects an acceptor splice site in intron 4 of the ERLIN2 gene. It is expected to disrupt RNA splicing. Variants that disrupt the donor or acceptor splice site typically lead to a loss of protein function (PMID: 16199547), and loss-of-function variants in ERLIN2 are known to be pathogenic (PMID: 21330303, 23109145, 24482476, 27824013). This variant is present in population databases (rs751227210, ExAC 0.006%). Algorithms developed to predict the effect of sequence changes on RNA splicing suggest that this variant may disrupt the consensus splice site, but this prediction has not been confirmed by published transcriptional studies. In summary, the currently available evidence indicates that the variant is pathogenic, but additional data are needed to prove that conclusively. Therefore, this variant has been classified as Likely Pathogenic.

Literature cited by the submitters: PubMed 16199547; PubMed 21330303; PubMed 23109145; PubMed 24482476; PubMed 27824013.